The following is an entry in ClinVar:

ClinVar aggregate classification (germline): Conflicting classifications of pathogenicity. Review status: criteria provided, conflicting classifications (1 of 4 stars). 4 submissions from 4 submitters: Uncertain significance (1); Likely benign (3). Last evaluated 2025-09-02.

Conditions:
Developmental and epileptic encephalopathy, 36 (DEE36). Also called: ALG13-CDG; Congenital disorder of glycosylation, type Is; Epileptic encephalopathy, early infantile, 36. Identifiers: Orphanet 324422, MedGen C4317295, MONDO:0010472, OMIM 300884.

Allele frequency attached by ClinVar (database versions not stated): gnomAD 0.00001; ExAC 0.00003; gnomAD exomes 0.00003; TOPMed 0.00012.
gnomAD v4.1: 26 of 1,208,147 alleles (0.0022%); highest among the groups gnomAD compares: Admixed American, 0.0088%; no homozygotes.

Submissions (4):

Labcorp Genetics (formerly Invitae), Labcorp
Classification: Likely benign for Developmental and epileptic encephalopathy, 36. Last evaluated: 2025-09-02. Review status: criteria provided, single submitter. Criteria: Invitae Variant Classification Sherloc (09022015). Collection method: clinical testing. Allele origin: germline.

CeGaT Center for Human Genetics Tuebingen
Classification: Likely benign. Last evaluated: 2025-05-01. Review status: criteria provided, single submitter. Criteria: CeGaT Center For Human Genetics Tuebingen Variant Classification Criteria Version 2. Collection method: clinical testing. Allele origin: germline. Affected: yes. Observed: 1 variant allele.
Comment: ALG13: BP4, BP7, BS2

GeneDx
Classification: Likely benign. Last evaluated: 2017-02-03. Review status: criteria provided, single submitter. Criteria: GeneDx Variant Classification (06012015). Collection method: clinical testing. Allele origin: germline. Affected: yes.
Comment: This variant is considered likely benign or benign based on one or more of the following criteria: it is a conservative change, it occurs at a poorly conserved position in the protein, it is predicted to be benign by multiple in silico algorithms, and/or has population frequency not consistent with disease.

Eurofins Ntd Llc (ga)
Classification: Uncertain significance. Last evaluated: 2016-12-02. Review status: criteria provided, single submitter. Criteria: EGL Classification Definitions 2015. Collection method: clinical testing. Allele origin: germline. Observed: 1 variant allele, 1 heterozygote.

NM_001099922.3(ALG13):c.2607G>A (p.Ala869=)

Gene: ALG13 (ALG13 UDP-N-acetylglucosaminyltransferase subunit; plus strand). Cytogenetic location: Xq23.
Variant type: single nucleotide variant.
Coding change: c.2607G>A on transcript NM_001099922.3 (MANE Select); coding-DNA position 2607, G replaced by A.
Protein change: p.Ala869=; no amino-acid change (alanine 869 retained).
Molecular consequence: synonymous variant. On other transcripts: non-coding transcript variant (1).
Genome position (GRCh38, 1-based): chrX:111,736,791, G>A. VCF-style: chrX-111736791-G-A. GRCh37 (hg19) VCF-style: chrX-110980019-G-A.
Other names: c.2295G>A, p.Ala765= (NM_001257230.2, NM_001257234.2, NM_001257237.2); c.2373G>A, p.Ala791= (NM_001257231.2); c.2607G>A, p.Ala869= (NM_001324292.2); c.2121G>A, p.Ala707= (NM_001324293.1).
Identifiers: ClinVar variation 498086 (VCV000498086.26), dbSNP rs746842727, ClinGen allele CA10493943.
Genomic context (GRCh38, chrX:111,736,791, plus strand): 5'-AGCAGTTGCAGCTTCCTGTGCCAATAATGTTCCAGCTCCAGTCTTATCTAACGGTGCAGC[G>A]GCTAATCAAGCTATTAGTACCACTTCAGTTTCCTCACAGAATGCTATACAGCCTCTCTTT-3'
Protein context (NP_001093392.1, residues 859-879): VPAPVLSNGA[Ala869=]ANQAISTTSV